The following is an entry in ClinVar:

ClinVar aggregate classification (germline): Uncertain significance (1 of 4 stars; one submission).

Allele frequency attached by ClinVar (database versions not stated): gnomAD exomes below 0.00001.
gnomAD v4.1: 1 of 1,613,052 alleles (0.000062%); highest among the groups gnomAD compares: Non-Finnish European, 0.000085%; no homozygotes.

Submission:

Clinical Genomics Laboratory, Washington University in St. Louis
Classification: Uncertain significance. Last evaluated: 2023-11-19. Review status: criteria provided, single submitter. Criteria: ACMG Guidelines, 2015. Collection method: clinical testing. Allele origin: germline.
Comment: The CYP51A1 c.1196A>G (p.Tyr399Cys) variant, to our knowledge, has not been reported in the medical literature and is absent from the general population (gnomAD v.2.1.1), indicating it is not a common variant. This variant occurs in a beta sheet and alters a polar tyrosine to a nonpolar cysteine and computational predictors indicate that the variant is damaging, evidence that correlates with impact to CYP51A1 function. Due to limited information, the clinical significance of this variant is uncertain.

NM_000786.4(CYP51A1):c.1196A>G (p.Tyr399Cys)

Gene: CYP51A1 (cytochrome P450 family 51 subfamily A member 1; minus strand). Cytogenetic location: 7q21.2.
Variant type: single nucleotide variant.
Coding change: c.1196A>G on transcript NM_000786.4 (MANE Select); coding-DNA position 1196, A replaced by G.
Protein change: p.Tyr399Cys; replaces tyrosine 399 with cysteine.
Molecular consequence: missense variant.
Genome position (GRCh38, 1-based): chr7:92,117,199, T>C on the plus strand (A>G on the coding strand, the complement: CYP51A1 is on the minus strand). VCF-style: chr7-92117199-T-C. GRCh37 (hg19) VCF-style: chr7-91746513-T-C.
Other names: c.881A>G, p.Tyr294Cys (NM_001146152.2); short protein forms Y294C, Y399C.
Identifiers: ClinVar variation 3236638 (VCV003236638.1), dbSNP rs2535354847, ClinGen allele CA368169434.